The following is an entry in ClinVar:

NM_015272.5(RPGRIP1L):c.1225A>T (p.Arg409Ter)

Gene: RPGRIP1L (RPGRIP1 like; minus strand). Cytogenetic location: 16q12.2.
Variant type: single nucleotide variant.
Coding change: c.1225A>T on transcript NM_015272.5 (MANE Select); coding-DNA position 1225, A replaced by T.
Protein change: p.Arg409Ter; replaces arginine 409 with a stop codon.
Molecular consequence: nonsense.
Genome position (GRCh38, 1-based): chr16:53,664,888, T>A on the plus strand (A>T on the coding strand, the complement: RPGRIP1L is on the minus strand). VCF-style: chr16-53664888-T-A. GRCh37 (hg19) VCF-style: chr16-53698800-T-A.
Other names: c.1225A>T, p.Arg409Ter (NM_001127897.4, NM_001308334.3, NM_001330538.2); short protein forms R409*.
Identifiers: ClinVar variation 1070007 (VCV001070007.7), dbSNP rs2151198227, ClinGen allele CA395921496.

ClinVar aggregate classification (germline): Pathogenic (1 of 4 stars; one submission).

Conditions:
Joubert syndrome. Also called: Familial aplasia of the vermis; CEREBELLOPARENCHYMAL DISORDER IV; JOUBERT-BOLTSHAUSER SYNDROME. Identifiers: Orphanet 475, MedGen C5979921, MONDO:0018772.
Meckel-Gruber syndrome. Also called: Dysencephalia splachnocystica; DYSENCEPHALIA SPLANCHNOCYSTICA; GRUBER SYNDROME. Identifiers: Orphanet 564, MedGen C0265215, MONDO:0018921.

Submission:

Labcorp Genetics (formerly Invitae), Labcorp
Classification: Pathogenic for Joubert syndrome; Meckel-Gruber syndrome. Last evaluated: 2020-10-14. Review status: criteria provided, single submitter. Criteria: Invitae Variant Classification Sherloc (09022015). Collection method: clinical testing. Allele origin: germline.
Comment: This sequence change creates a premature translational stop signal (p.Arg409*) in the RPGRIP1L gene. It is expected to result in an absent or disrupted protein product. Loss-of-function variants in RPGRIP1L are known to be pathogenic (PMID: 17558409). This variant is not present in population databases (ExAC no frequency). This variant has not been reported in the literature in individuals with RPGRIP1L-related conditions. For these reasons, this variant has been classified as Pathogenic.

Literature cited by the submitters: PubMed 17558409.